The following is an entry in ClinVar:

NM_030780.5(SLC25A32):c.88G>T (p.Val30Leu)

Gene: SLC25A32 (solute carrier family 25 member 32; minus strand). Cytogenetic location: 8q22.3.
Variant type: single nucleotide variant.
Coding change: c.88G>T on transcript NM_030780.5 (MANE Select); coding-DNA position 88, G replaced by T.
Protein change: p.Val30Leu; replaces valine 30 with leucine.
Molecular consequence: missense variant. On other transcripts: non-coding transcript variant (2).
Genome position (GRCh38, 1-based): chr8:103,414,850, C>A on the plus strand (G>T on the coding strand, the complement: SLC25A32 is on the minus strand). VCF-style: chr8-103414850-C-A. GRCh37 (hg19) VCF-style: chr8-104427078-C-A.
Other names: short protein forms V30L.
Identifiers: ClinVar variation 2821980 (VCV002821980.3), dbSNP rs1199470850, ClinGen allele CA371632347.

ClinVar aggregate classification (germline): Uncertain significance (1 of 4 stars; one submission).

gnomAD v4.1: 3 of 1,613,646 alleles (0.00019%); highest among the groups gnomAD compares: South Asian, 0.0022%; no homozygotes.

Submission:

Labcorp Genetics (formerly Invitae), Labcorp
Classification: Uncertain significance. Last evaluated: 2023-04-24. Review status: criteria provided, single submitter. Criteria: Invitae Variant Classification Sherloc (09022015). Collection method: clinical testing. Allele origin: germline.
Comment: Advanced modeling of protein sequence and biophysical properties (such as structural, functional, and spatial information, amino acid conservation, physicochemical variation, residue mobility, and thermodynamic stability) performed at Invitae indicates that this missense variant is not expected to disrupt SLC25A32 protein function. This sequence change replaces valine, which is neutral and non-polar, with leucine, which is neutral and non-polar, at codon 30 of the SLC25A32 protein (p.Val30Leu). This variant is present in population databases (no rsID available, gnomAD 0.003%). This variant has not been reported in the literature in individuals affected with SLC25A32-related conditions. In summary, the available evidence is currently insufficient to determine the role of this variant in disease. Therefore, it has been classified as a Variant of Uncertain Significance.